The following is an entry in ClinVar:

ClinVar aggregate classification (germline): Uncertain significance. Review status: criteria provided, multiple submitters, no conflicts (2 of 4 stars). 2 submissions from 2 submitters: Uncertain significance (2). Last evaluated 2024-10-29.

Allele frequency attached by ClinVar (database versions not stated): gnomAD exomes 0.00003 and 0.00004; ExAC 0.00004; gnomAD 0.00013; TOPMed 0.00017; 1000 Genomes Project 0.00020; 1000 Genomes Project 30x 0.00031.
gnomAD v4.1: 59 of 1,614,110 alleles (0.0037%); highest among the groups gnomAD compares: African/African-American, 0.056%; no homozygotes.

Submissions (2):

Labcorp Genetics (formerly Invitae), Labcorp
Classification: Uncertain significance. Last evaluated: 2024-10-29. Review status: criteria provided, single submitter. Criteria: Invitae Variant Classification Sherloc (09022015). Collection method: clinical testing. Allele origin: germline.
Comment: This sequence change replaces arginine, which is basic and polar, with glutamine, which is neutral and polar, at codon 272 of the ECHS1 protein (p.Arg272Gln). This variant is present in population databases (rs575638199, gnomAD 0.05%). This variant has not been reported in the literature in individuals affected with ECHS1-related conditions. ClinVar contains an entry for this variant (Variation ID: 1425630). Invitae Evidence Modeling of protein sequence and biophysical properties (such as structural, functional, and spatial information, amino acid conservation, physicochemical variation, residue mobility, and thermodynamic stability) indicates that this missense variant is not expected to disrupt ECHS1 protein function with a negative predictive value of 80%. In summary, the available evidence is currently insufficient to determine the role of this variant in disease. Therefore, it has been classified as a Variant of Uncertain Significance.

GeneDx
Classification: Uncertain significance. Last evaluated: 2023-10-25. Review status: criteria provided, single submitter. Criteria: GeneDx Variant Classification Process June 2021. Collection method: clinical testing. Allele origin: germline. Affected: yes.
Comment: In silico analysis supports that this missense variant has a deleterious effect on protein structure/function; Has not been previously published as pathogenic or benign to our knowledge; This variant is associated with the following publications: (PMID: 37055166)

NM_004092.4(ECHS1):c.815G>A (p.Arg272Gln)

Gene: ECHS1 (enoyl-CoA hydratase, short chain 1; minus strand). Cytogenetic location: 10q26.3.
Variant type: single nucleotide variant.
Coding change: c.815G>A on transcript NM_004092.4 (MANE Select); coding-DNA position 815, G replaced by A.
Protein change: p.Arg272Gln; replaces arginine 272 with glutamine.
Molecular consequence: missense variant.
Genome position (GRCh38, 1-based): chr10:133,362,926, C>T on the plus strand (G>A on the coding strand, the complement: ECHS1 is on the minus strand). VCF-style: chr10-133362926-C-T. GRCh37 (hg19) VCF-style: chr10-135176430-C-T.
Other names: c.815G>A (NM_004092.3); short protein forms R272Q.
Identifiers: ClinVar variation 1425630 (VCV001425630.5), dbSNP rs575638199, ClinGen allele CA5765625.